The following is an entry in ClinVar:

ClinVar aggregate classification (germline): Uncertain significance (1 of 4 stars; one submission).

Submission:

Labcorp Genetics (formerly Invitae), Labcorp
Classification: Uncertain significance. Last evaluated: 2025-03-17. Review status: criteria provided, single submitter. Criteria: Invitae Variant Classification Sherloc (09022015). Collection method: clinical testing. Allele origin: germline.
Comment: This sequence change replaces glutamic acid, which is acidic and polar, with glutamine, which is neutral and polar, at codon 95 of the HNF1A protein (p.Glu95Gln). This variant is not present in population databases (gnomAD no frequency). This variant has not been reported in the literature in individuals affected with HNF1A-related conditions. ClinVar contains an entry for this variant (Variation ID: 1520632). Invitae Evidence Modeling of protein sequence and biophysical properties (such as structural, functional, and spatial information, amino acid conservation, physicochemical variation, residue mobility, and thermodynamic stability) indicates that this missense variant is not expected to disrupt HNF1A protein function with a negative predictive value of 80%. In summary, the available evidence is currently insufficient to determine the role of this variant in disease. Therefore, it has been classified as a Variant of Uncertain Significance.

NM_000545.8(HNF1A):c.283G>C (p.Glu95Gln)

Gene: HNF1A (HNF1 homeobox A; plus strand). Cytogenetic location: 12q24.31.
Variant type: single nucleotide variant.
Coding change: c.283G>C on transcript NM_000545.8 (MANE Select); coding-DNA position 283, G replaced by C.
Protein change: p.Glu95Gln; replaces glutamic acid 95 with glutamine.
Molecular consequence: missense variant.
Genome position (GRCh38, 1-based): chr12:120,979,051, G>C. VCF-style: chr12-120979051-G-C. GRCh37 (hg19) VCF-style: chr12-121416854-G-C.
Other names: c.283G>C, p.Glu95Gln (NM_001306179.2); short protein forms E95Q.
Identifiers: ClinVar variation 1520632 (VCV001520632.6), dbSNP rs1555210473, ClinGen allele CA386954434.